The following is an entry in ClinVar:

ClinVar aggregate classification (germline): Pathogenic (1 of 4 stars; one submission).

Conditions:
Hereditary cancer-predisposing syndrome. Also called: Tumor predisposition; Neoplastic Syndromes, Hereditary; Hereditary Cancer Syndrome; Hereditary neoplastic syndrome. Identifiers: Orphanet 140162, MedGen C0027672, MeSH D009386, MONDO:0015356.

Submission:

Ambry Genetics
Classification: Pathogenic for Hereditary cancer-predisposing syndrome. Last evaluated: 2024-10-15. Review status: criteria provided, single submitter. Criteria: Ambry Variant Classification Scheme 2023. Collection method: clinical testing. Allele origin: germline.
Comment: The p.L391* pathogenic mutation (also known as c.1172T>A), located in coding exon 10 of the CHEK2 gene, results from a T to A substitution at nucleotide position 1172. This changes the amino acid from a leucine to a stop codon within coding exon 10. This variant is considered to be rare based on population cohorts in the Genome Aggregation Database (gnomAD). This alteration is expected to result in loss of function by premature protein truncation or nonsense-mediated mRNA decay. As such, this alteration is interpreted as a disease-causing mutation.

NM_007194.4(CHEK2):c.1172T>A (p.Leu391Ter)

Gene: CHEK2 (checkpoint kinase 2; minus strand). Cytogenetic location: 22q12.1.
Variant type: single nucleotide variant.
Coding change: c.1172T>A on transcript NM_007194.4 (MANE Select); coding-DNA position 1172, T replaced by A.
Protein change: p.Leu391Ter; replaces leucine 391 with a stop codon.
Molecular consequence: nonsense.
Genome position (GRCh38, 1-based): chr22:28,695,797, A>T on the plus strand (T>A on the coding strand, the complement: CHEK2 is on the minus strand). VCF-style: chr22-28695797-A-T. GRCh37 (hg19) VCF-style: chr22-29091785-A-T.
Other names: c.1301T>A, p.Leu434Ter (NM_001005735.3); c.509T>A, p.Leu170Ter (NM_001257387.3); c.971T>A, p.Leu324Ter (NM_001349956.3); c.1085T>A, p.Leu362Ter (NM_145862.3); short protein forms L324*, L434*, L391*, L362*, L170*.
Identifiers: ClinVar variation 3492195 (VCV003492195.1).